The following is an entry in ClinVar:

NM_002677.5(PMP2):c.347C>T (p.Ala116Val)

Gene: PMP2 (peripheral myelin protein 2; minus strand). Cytogenetic location: 8q21.13.
Variant type: single nucleotide variant.
Coding change: c.347C>T on transcript NM_002677.5 (MANE Select); coding-DNA position 347, C replaced by T.
Protein change: p.Ala116Val; replaces alanine 116 with valine.
Molecular consequence: missense variant. On other transcripts: synonymous variant (1).
Genome position (GRCh38, 1-based): chr8:81,444,501, G>A on the plus strand (C>T on the coding strand, the complement: PMP2 is on the minus strand). VCF-style: chr8-81444501-G-A. GRCh37 (hg19) VCF-style: chr8-82356736-G-A.
Other names: c.347C>T (NM_002677.3); c.174C>T, p.Ser58= (NM_001348381.2); short protein forms A116V.
Identifiers: ClinVar variation 1444845 (VCV001444845.9), dbSNP rs369151184, ClinGen allele CA4791916.
Genomic context (GRCh38, chr8:81,444,501, plus strand): 5'-ATATAATCAAATTATTTATATAGCATTATTTCTCTATTTAGAAGTAAAGATACTCTTACC[G>A]CTACCATTTTCCCATTCACTAGCTTTCTCTTTATGGTTGTCTCTTTGCCATCCCATCTCT-3'
Protein context (NP_002668.1, residues 106-126): KRKLVNGKMV[Ala116Val]ECKMKGVVCT

ClinVar aggregate classification (germline): Conflicting classifications of pathogenicity. Review status: criteria provided, conflicting classifications (1 of 4 stars). 2 submissions from 2 submitters: Uncertain significance (1); Likely benign (1). Last evaluated 2025-12-14.

Conditions:
Inborn genetic diseases. Identifiers: MedGen C0950123, MeSH D030342.

Allele frequency attached by ClinVar (database versions not stated): gnomAD 0.00003; TOPMed 0.00006; ESP Exome Variant Server 0.00008; gnomAD exomes 0.00008 and 0.00011; ExAC 0.00010; 1000 Genomes Project 30x 0.00016; 1000 Genomes Project 0.00020.

Submissions (2):

Labcorp Genetics (formerly Invitae), Labcorp
Classification: Uncertain significance. Last evaluated: 2025-12-14. Review status: criteria provided, single submitter. Criteria: Invitae Variant Classification Sherloc (09022015). Collection method: clinical testing. Allele origin: germline.
Comment: This sequence change replaces alanine, which is neutral and non-polar, with valine, which is neutral and non-polar, at codon 116 of the PMP2 protein (p.Ala116Val). This variant is present in population databases (rs369151184, gnomAD 0.01%). This variant has not been reported in the literature in individuals affected with PMP2-related conditions. ClinVar contains an entry for this variant (Variation ID: 1444845). An algorithm developed to predict the effect of missense changes on protein structure and function outputs the following: PolyPhen-2: "Benign". The valine amino acid residue is found in multiple mammalian species, which suggests that this missense change does not adversely affect protein function. In summary, the available evidence is currently insufficient to determine the role of this variant in disease. Therefore, it has been classified as a Variant of Uncertain Significance.

Ambry Genetics
Classification: Likely benign for Inborn genetic diseases. Last evaluated: 2022-12-27. Review status: criteria provided, single submitter. Criteria: Ambry Variant Classification Scheme 2023. Collection method: clinical testing. Allele origin: germline.